The following is an entry in ClinVar:

ClinVar aggregate classification (germline): Uncertain significance. Review status: criteria provided, multiple submitters, no conflicts (2 of 4 stars). 3 submissions from 3 submitters: Uncertain significance (3). Last evaluated 2025-08-02.

Conditions:
Psychomotor retardation, epilepsy, and craniofacial dysmorphism (NEDHCS). Also called: NEURODEVELOPMENTAL DISORDER WITH HYPOTONIA, CRANIOFACIAL ABNORMALITIES, AND SEIZURES. Identifiers: MedGen C3281055, MONDO:0013787, OMIM 614501.

Allele frequency attached by ClinVar (database versions not stated): gnomAD exomes below 0.00001; TOPMed 0.00001.
gnomAD v4.1: 1 of 1,614,122 alleles (0.000062%); highest among the groups gnomAD compares: Non-Finnish European, 0.000085%; no homozygotes.

Submissions (3):

Labcorp Genetics (formerly Invitae), Labcorp
Classification: Uncertain significance. Last evaluated: 2025-08-02. Review status: criteria provided, single submitter. Criteria: Invitae Variant Classification Sherloc (09022015). Collection method: clinical testing. Allele origin: germline.
Comment: This sequence change replaces leucine, which is neutral and non-polar, with valine, which is neutral and non-polar, at codon 352 of the SNIP1 protein (p.Leu352Val). This variant is not present in population databases (gnomAD no frequency). This variant has not been reported in the literature in individuals affected with SNIP1-related conditions. ClinVar contains an entry for this variant (Variation ID: 1298342). Invitae Evidence Modeling of protein sequence and biophysical properties (such as structural, functional, and spatial information, amino acid conservation, physicochemical variation, residue mobility, and thermodynamic stability) indicates that this missense variant is not expected to disrupt SNIP1 protein function with a negative predictive value of 80%. In summary, the available evidence is currently insufficient to determine the role of this variant in disease. Therefore, it has been classified as a Variant of Uncertain Significance.

Ambry Genetics
Classification: Uncertain significance. Last evaluated: 2025-01-19. Review status: criteria provided, single submitter. Criteria: Ambry Variant Classification Scheme 2023. Collection method: clinical testing. Allele origin: germline.

Breda Genetics srl
Classification: Uncertain significance for Psychomotor retardation, epilepsy, and craniofacial dysmorphism. Last evaluated: 2021-04-30. Review status: criteria provided, single submitter. Criteria: ACMG Guidelines, 2015. Collection method: clinical testing. Allele origin: inherited. Inheritance: Autosomal recessive inheritance. Affected: yes. Observed: 1 variant allele, 1 heterozygote.
Comment: Based on allele frequency, in-silico prediction scores and a certain overlap with the clinical phenotype, we interpreted this variant at least as of uncertain significance. The lack of one or more of the following features has discouraged further investigations: lack of a possible second hit in autosomal recessive conditions, presence of healthy controls in databases for autosomal dominant conditions, presence of unmatching cardinal clinical features in the patient or in the known gene-disease association, and/or variant type outside the known gene mutational spectrum.

NM_024700.4(SNIP1):c.1054C>G (p.Leu352Val)

Gene: SNIP1 (Smad nuclear interacting protein 1; minus strand). Cytogenetic location: 1p34.3.
Variant type: single nucleotide variant.
Coding change: c.1054C>G on transcript NM_024700.4 (MANE Select); coding-DNA position 1054, C replaced by G.
Protein change: p.Leu352Val; replaces leucine 352 with valine.
Molecular consequence: missense variant.
Genome position (GRCh38, 1-based): chr1:37,537,885, G>C on the plus strand (C>G on the coding strand, the complement: SNIP1 is on the minus strand). VCF-style: chr1-37537885-G-C. GRCh37 (hg19) VCF-style: chr1-38003486-G-C.
Other names: c.1054C>G (NM_024700.2); short protein forms L352V.
Identifiers: ClinVar variation 1298342 (VCV001298342.7), dbSNP rs1643118461, ClinGen allele CA339445007.